The following is an entry in ClinVar:

NM_001243279.3(ACSF3):c.541G>A (p.Glu181Lys)

Gene: ACSF3 (acyl-CoA synthetase family member 3; plus strand). Cytogenetic location: 16q24.3.
Variant type: single nucleotide variant.
Coding change: c.541G>A on transcript NM_001243279.3 (MANE Select); coding-DNA position 541, G replaced by A.
Protein change: p.Glu181Lys; replaces glutamic acid 181 with lysine.
Molecular consequence: missense variant. On other transcripts: non-coding transcript variant (3), intron variant (1).
Genome position (GRCh38, 1-based): chr16:89,101,222, G>A. VCF-style: chr16-89101222-G-A. GRCh37 (hg19) VCF-style: chr16-89167630-G-A.
Other names: c.541G>A, p.Glu181Lys (NM_001127214.4, NM_174917.5); c.-129-1382G>A (NM_001284316.2); short protein forms E181K.
Identifiers: ClinVar variation 573161 (VCV000573161.10), dbSNP rs1567685421, ClinGen allele CA397135101.

ClinVar aggregate classification (germline): Uncertain significance. Review status: criteria provided, single submitter (1 of 4 stars). 2 submissions from 2 submitters: Uncertain significance (1). 1 of the submissions does not count toward it. Last evaluated 2025-05-12.

Conditions:
Combined malonic and methylmalonic acidemia. Identifiers: Orphanet 289504, MedGen C3280314, MONDO:0013661, OMIM 614265.

Submissions (2):

Labcorp Genetics (formerly Invitae), Labcorp
Classification: Uncertain significance for Combined malonic and methylmalonic acidemia. Last evaluated: 2025-05-12. Review status: criteria provided, single submitter. Criteria: Invitae Variant Classification Sherloc (09022015). Collection method: clinical testing. Allele origin: germline.
Comment: This sequence change replaces glutamic acid, which is acidic and polar, with lysine, which is basic and polar, at codon 181 of the ACSF3 protein (p.Glu181Lys). This variant is not present in population databases (gnomAD no frequency). This variant has not been reported in the literature in individuals affected with ACSF3-related conditions. ClinVar contains an entry for this variant (Variation ID: 573161). Invitae Evidence Modeling of protein sequence and biophysical properties (such as structural, functional, and spatial information, amino acid conservation, physicochemical variation, residue mobility, and thermodynamic stability) indicates that this missense variant is not expected to disrupt ACSF3 protein function with a negative predictive value of 80%. In summary, the available evidence is currently insufficient to determine the role of this variant in disease. Therefore, it has been classified as a Variant of Uncertain Significance.

Natera, Inc.
Classification: Uncertain significance for Combined malonic and methylmalonic aciduria. Last evaluated: 2020-09-25. Review status: no assertion criteria provided. Collection method: clinical testing. Allele origin: germline. Not counted in ClinVar's aggregate classification.